The following is an entry in ClinVar:

NM_001458.5(FLNC):c.2812G>A (p.Gly938Ser)

Gene: FLNC (filamin C; plus strand). Cytogenetic location: 7q32.1.
Variant type: single nucleotide variant.
Coding change: c.2812G>A on transcript NM_001458.5 (MANE Select); coding-DNA position 2812, G replaced by A.
Protein change: p.Gly938Ser; replaces glycine 938 with serine.
Molecular consequence: missense variant.
Genome position (GRCh38, 1-based): chr7:128,843,796, G>A. VCF-style: chr7-128843796-G-A. GRCh37 (hg19) VCF-style: chr7-128483850-G-A.
Other names: c.2812G>A, p.Gly938Ser (NM_001127487.2); short protein forms G938S.
Identifiers: ClinVar variation 3221715 (VCV003221715.1), dbSNP rs2536634619, ClinGen allele CA369193342.

ClinVar aggregate classification (germline): Uncertain significance (1 of 4 stars; one submission).

Conditions:
Cardiovascular phenotype. Identifiers: MedGen CN230736.

Submission:

Ambry Genetics
Classification: Uncertain significance for Cardiovascular phenotype. Last evaluated: 2023-10-26. Review status: criteria provided, single submitter. Criteria: Ambry Variant Classification Scheme 2023. Collection method: clinical testing. Allele origin: germline.
Comment: The p.G938S variant (also known as c.2812G>A) is located in coding exon 19 of the FLNC gene. The glycine at codon 938 is replaced by serine, an amino acid with similar properties. This change occurs in the first base pair of coding exon 19. This amino acid position is conserved. In addition, this alteration is predicted to be deleterious by in silico analysis. Since supporting evidence is limited at this time, the clinical significance of this alteration remains unclear.